The following is an entry in ClinVar:

ClinVar aggregate classification (germline): Likely benign. Review status: criteria provided, single submitter (1 of 4 stars). 2 submissions from 2 submitters: Likely benign (1). 1 of the submissions does not count toward it. Last evaluated 2024-07-05.

Conditions:
LPA-related disorder. Also called: LPA-related condition.

Allele frequency attached by ClinVar (database versions not stated): ExAC 0.00002; gnomAD 0.00005; TOPMed 0.00005; gnomAD exomes 0.00007; ESP Exome Variant Server 0.00008.
gnomAD v4.1: 109 of 1,613,664 alleles (0.0068%); highest among the groups gnomAD compares: Non-Finnish European, 0.0088%; no homozygotes.

Submissions (2):

Blueprint Genetics
Classification: Likely benign. Last evaluated: 2024-07-05. Review status: criteria provided, single submitter. Criteria: ACMG Guidelines, 2015. Collection method: clinical testing. Allele origin: germline.

PreventionGenetics, part of Exact Sciences
Classification: Likely benign for LPA-related condition. Last evaluated: 2022-12-01. Review status: no assertion criteria provided. Collection method: clinical testing. Allele origin: germline. Not counted in ClinVar's aggregate classification.
Comment: This variant is classified as likely benign based on ACMG/AMP sequence variant interpretation guidelines (Richards et al. 2015 PMID: 25741868, with internal and published modifications).

NM_005577.4(LPA):c.4471+8A>G

Gene: LPA (lipoprotein(a); minus strand). Cytogenetic location: 6q25.3.
Variant type: single nucleotide variant.
Coding change: c.4471+8A>G on transcript NM_005577.4 (MANE Select); 8 bases into the intron after coding-DNA position 4471, A replaced by G.
Molecular consequence: intron variant.
Genome position (GRCh38, 1-based): chr6:160,578,515, T>C on the plus strand (A>G on the coding strand, the complement: LPA is on the minus strand). VCF-style: chr6-160578515-T-C. GRCh37 (hg19) VCF-style: chr6-160999547-T-C.
Identifiers: ClinVar variation 3046106 (VCV003046106.3), dbSNP rs200920617, ClinGen allele CA4086065.